The following is an entry in ClinVar:

NM_000350.3(ABCA4):c.3420C>G (p.Cys1140Trp)

Gene: ABCA4 (ATP binding cassette subfamily A member 4; minus strand). Cytogenetic location: 1p22.1.
Variant type: single nucleotide variant.
Coding change: c.3420C>G on transcript NM_000350.3 (MANE Select); coding-DNA position 3420, C replaced by G.
Protein change: p.Cys1140Trp; replaces cysteine 1140 with tryptophan.
Molecular consequence: missense variant.
Genome position (GRCh38, 1-based): chr1:94,041,311, G>C on the plus strand (C>G on the coding strand, the complement: ABCA4 is on the minus strand). VCF-style: chr1-94041311-G-C. GRCh37 (hg19) VCF-style: chr1-94506867-G-C.
Other names: c.3198C>G, p.Cys1066Trp (NM_001425324.1); short protein forms C1140W, C1066W.
Identifiers: ClinVar variation 1073207 (VCV001073207.12), dbSNP rs2101048569, ClinGen allele CA341290912.

ClinVar aggregate classification (germline): Pathogenic/Likely pathogenic. Review status: criteria provided, multiple submitters, no conflicts (2 of 4 stars). 3 submissions from 3 submitters: Pathogenic (1); Likely pathogenic (2). Last evaluated 2024-09-04.

Conditions:
ABCA4-related disorder. Also called: ABCA4-related disorders; ABCA4-related condition. Identifiers: MedGen CN239167.
Severe early-childhood-onset retinal dystrophy (STGD1). Also called: Stargardt macular dystrophy; Juvenile onset macular degeneration; Stargardt disease 1; STGD; MACULAR DYSTROPHY WITH FLECKS, TYPE 1. Identifiers: Orphanet 364055, Orphanet 827, MedGen C1855465, MeSH D000080362, MONDO:0009549, OMIM 248200.

Allele frequency attached by ClinVar (database versions not stated): gnomAD exomes below 0.00001.
gnomAD v4.1: 1 of 1,614,138 alleles (0.000062%); highest among the groups gnomAD compares: East Asian, 0.0022%; no homozygotes.

Submissions (3):

3billion
Classification: Likely pathogenic for ABCA4-related disorder. Last evaluated: 2024-09-04. Review status: criteria provided, single submitter. Criteria: ACMG Guidelines, 2015. Collection method: clinical testing. Allele origin: germline. Affected: yes.
Comment: The variant is observed at an extremely low frequency in the gnomAD v4.0.0 dataset (total allele frequency: <0.001%). Predicted Consequence/Location: Missense variant In silico tool predictions suggest damaging effect of the variant on gene or gene product [REVEL: 0.94 (>=0.6, sensitivity 0.68 and specificity 0.92); 3Cnet: 0.99 (>=0.6, sensitivity 0.72 and precision 0.9)]. The same nucleotide change resulting in the same amino acid change has been previously reported to be associated with ABCA4 related disorder (ClinVar ID: VCV001073207 /PMID: 24763286).The variant has been reported to be in trans with a pathogenic variant as either compound heterozygous or homozygous in at least 2 similarly affected unrelated individuals (PMID: 24763286, 31814693).The variant has been reported to co-segregate with the disease in at least one similarly affected relative/individual in the same family or similarly affected unrelated family (PMID: 31814693). Therefore, this variant is classified as Likely pathogenic according to the recommendation of ACMG/AMP guideline.

Labcorp Genetics (formerly Invitae), Labcorp
Classification: Pathogenic. Last evaluated: 2023-07-28. Review status: criteria provided, single submitter. Criteria: Invitae Variant Classification Sherloc (09022015). Collection method: clinical testing. Allele origin: germline.
Comment: For these reasons, this variant has been classified as Pathogenic. Advanced modeling of protein sequence and biophysical properties (such as structural, functional, and spatial information, amino acid conservation, physicochemical variation, residue mobility, and thermodynamic stability) performed at Invitae indicates that this missense variant is expected to disrupt ABCA4 protein function. ClinVar contains an entry for this variant (Variation ID: 1073207). This missense change has been observed in individuals with Stargardt disease (PMID: 24763286, 31814693). It has also been observed to segregate with disease in related individuals. This variant is not present in population databases (gnomAD no frequency). This sequence change replaces cysteine, which is neutral and slightly polar, with tryptophan, which is neutral and slightly polar, at codon 1140 of the ABCA4 protein (p.Cys1140Trp).

Juno Genomics, Hangzhou Juno Genomics, Inc
Classification: Likely pathogenic for Severe early-childhood-onset retinal dystrophy. Review status: criteria provided, single submitter. Criteria: ACMG Guidelines, 2015. Collection method: clinical testing. Allele origin: germline.
Comment: Absent from controls (or at extremely low frequency if recessive) in Genome Aggregation Database.;Multiple lines of computational evidence support a deleterious effect on the gene or gene product.;For recessive disorders, detected in trans with a pathogenic variant.;Patient's phenotype or family history is highly specific for a disease with a single genetic etiology.

Literature cited by the submitters: PubMed 24763286 (cited by 3billion and Labcorp Genetics (formerly Invitae), Labcorp); PubMed 31814693 (cited by 3billion and Labcorp Genetics (formerly Invitae), Labcorp).